The following is an entry in ClinVar:

ClinVar aggregate classification (germline): Uncertain significance (1 of 4 stars; one submission).

Conditions:
MHC class I deficiency. Identifiers: Orphanet 34592, MedGen C6024714, MONDO:0011476.

Allele frequency attached by ClinVar (database versions not stated): gnomAD exomes below 0.00001.
gnomAD v4.1: 1 of 1,613,110 alleles (0.000062%); highest among the groups gnomAD compares: Non-Finnish European, 0.000085%; no homozygotes.

Submission:

Labcorp Genetics (formerly Invitae), Labcorp
Classification: Uncertain significance for Bare lymphocyte syndrome type 1. Last evaluated: 2019-03-08. Review status: criteria provided, single submitter. Criteria: Invitae Variant Classification Sherloc (09022015). Collection method: clinical testing. Allele origin: germline.
Comment: This sequence change replaces cysteine with tyrosine at codon 362 of the TAP2 protein (p.Cys362Tyr). The cysteine residue is moderately conserved and there is a large physicochemical difference between cysteine and tyrosine. This variant is not present in population databases (ExAC no frequency). This variant has not been reported in the literature in individuals with TAP2-related conditions. Algorithms developed to predict the effect of missense changes on protein structure and function are either unavailable or do not agree on the potential impact of this missense change (SIFT: "Tolerated"; PolyPhen-2: Not Available; Align-GVGD: "Class C0"). In summary, the available evidence is currently insufficient to determine the role of this variant in disease. Therefore, it has been classified as a Variant of Uncertain Significance.

NM_001290043.2(TAP2):c.1085G>A (p.Cys362Tyr)

Gene: TAP2 (transporter 2, ATP binding cassette subfamily B member; minus strand). Cytogenetic location: 6p21.32.
Variant type: single nucleotide variant.
Coding change: c.1085G>A on transcript NM_001290043.2 (MANE Select); coding-DNA position 1085, G replaced by A.
Protein change: p.Cys362Tyr; replaces cysteine 362 with tyrosine.
Molecular consequence: missense variant.
Genome position (GRCh38, 1-based): chr6:32,832,685, C>T on the plus strand (G>A on the coding strand, the complement: TAP2 is on the minus strand). VCF-style: chr6-32832685-C-T. GRCh37 (hg19) VCF-style: chr6-32800462-C-T.
Other names: c.1085G>A, p.Cys362Tyr (NM_018833.3, NM_000544.3); short protein forms C362Y.
Identifiers: ClinVar variation 854427 (VCV000854427.1), dbSNP rs1323190950, ClinGen allele CA363583196.